The following is an entry in ClinVar:

NC_000001.11:g.153799805G>T

Gene: GATAD2B (GATA zinc finger domain containing 2B; minus strand). Cytogenetic location: 1q21.3.
Variant type: single nucleotide variant.
Genome position: GRCh38 VCF-style: chr1-153799805-G-T. GRCh37 (hg19) VCF-style: chr1-153772281-G-T.
Identifiers: ClinVar variation 2639359 (VCV002639359.24), dbSNP rs767747401, ClinGen allele CA30746469.

ClinVar aggregate classification (germline): Likely benign (1 of 4 stars; one submission).

Allele frequency attached by ClinVar (database versions not stated): gnomAD 0.00014; TOPMed 0.00019.

Submission:

CeGaT Center for Human Genetics Tuebingen
Classification: Likely benign. Last evaluated: 2023-07-01. Review status: criteria provided, single submitter. Criteria: CeGaT Center For Human Genetics Tuebingen Variant Classification Criteria Version 2. Collection method: clinical testing. Allele origin: germline. Affected: yes. Observed: 1 variant allele.
Comment: GATAD2B: BS1